The following is an entry in ClinVar:

ClinVar aggregate classification (germline): Uncertain significance. Review status: criteria provided, multiple submitters, no conflicts (2 of 4 stars). 2 submissions from 2 submitters: Uncertain significance (2). Last evaluated 2026-02-19.

Conditions:
Hypertrophic cardiomyopathy 14. Identifiers: MedGen C2750467, MONDO:0013197, OMIM 613251.
Cardiovascular phenotype. Identifiers: MedGen CN230736.

Submissions (2):

Ambry Genetics
Classification: Uncertain significance for Cardiovascular phenotype. Last evaluated: 2026-02-19. Review status: criteria provided, single submitter. Criteria: Ambry Variant Classification Scheme 2023. Collection method: clinical testing. Allele origin: germline.
Comment: The p.M1784T variant (also known as c.5351T>C), located in coding exon 34 of the MYH6 gene, results from a T to C substitution at nucleotide position 5351. The methionine at codon 1784 is replaced by threonine, an amino acid with similar properties. This amino acid position is conserved. In addition, this alteration is predicted to be deleterious by in silico analysis. Based on the available evidence, the clinical significance of this variant remains unclear.

Labcorp Genetics (formerly Invitae), Labcorp
Classification: Uncertain significance for Hypertrophic cardiomyopathy 14. Last evaluated: 2025-03-06. Review status: criteria provided, single submitter. Criteria: Invitae Variant Classification Sherloc (09022015). Collection method: clinical testing. Allele origin: germline.
Comment: This sequence change replaces methionine, which is neutral and non-polar, with threonine, which is neutral and polar, at codon 1784 of the MYH6 protein (p.Met1784Thr). This variant is not present in population databases (gnomAD no frequency). This variant has not been reported in the literature in individuals affected with MYH6-related conditions. Invitae Evidence Modeling of protein sequence and biophysical properties (such as structural, functional, and spatial information, amino acid conservation, physicochemical variation, residue mobility, and thermodynamic stability) indicates that this missense variant is not expected to disrupt MYH6 protein function with a negative predictive value of 80%. In summary, the available evidence is currently insufficient to determine the role of this variant in disease. Therefore, it has been classified as a Variant of Uncertain Significance.

NM_002471.4(MYH6):c.5351T>C (p.Met1784Thr)

Gene: MYH6 (myosin heavy chain 6; minus strand). Cytogenetic location: 14q11.2.
Variant type: single nucleotide variant.
Coding change: c.5351T>C on transcript NM_002471.4 (MANE Select); coding-DNA position 5351, T replaced by C.
Protein change: p.Met1784Thr; replaces methionine 1784 with threonine.
Molecular consequence: missense variant.
Genome position (GRCh38, 1-based): chr14:23,384,656, A>G on the plus strand (T>C on the coding strand, the complement: MYH6 is on the minus strand). VCF-style: chr14-23384656-A-G. GRCh37 (hg19) VCF-style: chr14-23853865-A-G.
Other names: short protein forms M1784T.
Identifiers: ClinVar variation 4745159 (VCV004745159.2).